The following is an entry in ClinVar:

NM_000701.8(ATP1A1):c.2987T>C (p.Leu996Pro)

Genes: ATP1A1 (ATPase Na+/K+ transporting subunit alpha 1; plus strand), ATP1A1-AS1 (ATP1A1 antisense RNA 1; minus strand). Cytogenetic location: 1p13.1.
Variant type: single nucleotide variant.
Coding change: c.2987T>C on transcript NM_000701.8 (MANE Select); coding-DNA position 2987, T replaced by C.
Protein change: p.Leu996Pro; replaces leucine 996 with proline.
Molecular consequence: missense variant.
Genome position (GRCh38, 1-based): chr1:116,403,919, T>C. VCF-style: chr1-116403919-T-C. GRCh37 (hg19) VCF-style: chr1-116946541-T-C.
Other names: c.2987T>C, p.Leu996Pro (NM_001160233.2); c.2894T>C, p.Leu965Pro (NM_001160234.2); short protein forms L965P, L996P.
Identifiers: ClinVar variation 1965947 (VCV001965947.5), dbSNP rs2525907596, ClinGen allele CA341777375.

ClinVar aggregate classification (germline): Uncertain significance (1 of 4 stars; one submission).

Submission:

Labcorp Genetics (formerly Invitae), Labcorp
Classification: Uncertain significance. Last evaluated: 2023-09-15. Review status: criteria provided, single submitter. Criteria: Invitae Variant Classification Sherloc (09022015). Collection method: clinical testing. Allele origin: germline.
Comment: This sequence change replaces leucine, which is neutral and non-polar, with proline, which is neutral and non-polar, at codon 996 of the ATP1A1 protein (p.Leu996Pro). This variant is not present in population databases (gnomAD no frequency). This variant has not been reported in the literature in individuals affected with ATP1A1-related conditions. ClinVar contains an entry for this variant (Variation ID: 1965947). Advanced modeling of protein sequence and biophysical properties (such as structural, functional, and spatial information, amino acid conservation, physicochemical variation, residue mobility, and thermodynamic stability) performed at Invitae indicates that this missense variant is not expected to disrupt ATP1A1 protein function. In summary, the available evidence is currently insufficient to determine the role of this variant in disease. Therefore, it has been classified as a Variant of Uncertain Significance.